The following is an entry in ClinVar:

ClinVar aggregate classification (germline): Uncertain significance (1 of 4 stars; one submission).

Submission:

Labcorp Genetics (formerly Invitae), Labcorp
Classification: Uncertain significance. Last evaluated: 2022-05-29. Review status: criteria provided, single submitter. Criteria: Invitae Variant Classification Sherloc (09022015). Collection method: clinical testing. Allele origin: germline.
Comment: In summary, the available evidence is currently insufficient to determine the role of this variant in disease. Therefore, it has been classified as a Variant of Uncertain Significance. This sequence change replaces aspartic acid, which is acidic and polar, with glycine, which is neutral and non-polar, at codon 306 of the PRPF31 protein (p.Asp306Gly). This variant is not present in population databases (gnomAD no frequency). This variant has not been reported in the literature in individuals affected with PRPF31-related conditions. Algorithms developed to predict the effect of missense changes on protein structure and function (SIFT, PolyPhen-2, Align-GVGD) all suggest that this variant is likely to be disruptive.

NM_015629.4(PRPF31):c.917A>G (p.Asp306Gly)

Gene: PRPF31 (pre-mRNA processing factor 31; plus strand). Cytogenetic location: 19q13.42.
Variant type: single nucleotide variant.
Coding change: c.917A>G on transcript NM_015629.4 (MANE Select); coding-DNA position 917, A replaced by G.
Protein change: p.Asp306Gly; replaces aspartic acid 306 with glycine.
Molecular consequence: missense variant.
Genome position (GRCh38, 1-based): chr19:54,126,589, A>G. VCF-style: chr19-54126589-A-G. GRCh37 (hg19) VCF-style: chr19-54629964-A-G.
Other names: short protein forms D306G.
Identifiers: ClinVar variation 2000586 (VCV002000586.4), dbSNP rs2146436830, ClinGen allele CA407751888.